The following is an entry in ClinVar:

ClinVar aggregate classification (germline): Pathogenic/Likely pathogenic. Review status: criteria provided, multiple submitters, no conflicts (2 of 4 stars). 4 submissions from 4 submitters: Pathogenic (3); Likely pathogenic (1). Last evaluated 2024-12-10.

Conditions:
Inborn genetic diseases. Identifiers: MedGen C0950123, MeSH D030342.
Charcot-Marie-Tooth disease type 4. Also called: Charcot-Marie-Tooth disease, type IV; Charcot-Marie-Tooth, Type 4. Identifiers: Orphanet 64749, MedGen C4082197, MONDO:0018995.
FIG4-related disorder. Also called: FIG4-related disorders; FIG4-related condition.

Allele frequency attached by ClinVar (database versions not stated): ExAC 0.00001; gnomAD 0.00001; gnomAD exomes 0.00001; TOPMed 0.00001.
gnomAD v4.1: 17 of 1,613,430 alleles (0.0011%); highest among the groups gnomAD compares: Admixed American, 0.005%; no homozygotes.

Submissions (4):

PreventionGenetics, part of Exact Sciences
Classification: Pathogenic for FIG4-related condition. Last evaluated: 2024-12-10. Review status: criteria provided, single submitter. Criteria: ACMG Guidelines, 2015. Collection method: clinical testing. Allele origin: germline.
Comment: The FIG4 c.592C>T variant is predicted to result in premature protein termination (p.Gln198*). This variant was reported in individuals with Charcot-Marie-Tooth disease (see, for example, Volodarsky et al. 2020. PubMed ID: 32376792). This variant is reported in 0.0058% of alleles in individuals of Latino descent in gnomAD. Nonsense variants in FIG4 are expected to be pathogenic. This variant is interpreted as pathogenic.

Mayo Clinic Laboratories, Mayo Clinic
Classification: Likely pathogenic. Last evaluated: 2023-10-11. Review status: criteria provided, single submitter. Criteria: ACMG Guidelines, 2015. Collection method: clinical testing. Allele origin: germline. Observed: 1 variant allele.
Comment: PM2_moderate, PVS1

Labcorp Genetics (formerly Invitae), Labcorp
Classification: Pathogenic for Charcot-Marie-Tooth disease type 4. Last evaluated: 2023-09-19. Review status: criteria provided, single submitter. Criteria: Invitae Variant Classification Sherloc (09022015). Collection method: clinical testing. Allele origin: germline.
Comment: ClinVar contains an entry for this variant (Variation ID: 1750549). For these reasons, this variant has been classified as Pathogenic. This premature translational stop signal has been observed in individual(s) with clinical features of GIF4-related conditions (PMID: 32376792). This variant is present in population databases (rs745554323, gnomAD 0.006%). This sequence change creates a premature translational stop signal (p.Gln198*) in the FIG4 gene. It is expected to result in an absent or disrupted protein product. Loss-of-function variants in FIG4 are known to be pathogenic (PMID: 23623387, 30740813).

Ambry Genetics
Classification: Pathogenic for Inborn genetic diseases. Last evaluated: 2021-11-05. Review status: criteria provided, single submitter. Criteria: Ambry Variant Classification Scheme 2023. Collection method: clinical testing. Allele origin: germline.
Comment: The p.Q198* variant (also known as c.592C>T), located in coding exon 6 of the FIG4 gene, results from a C to T substitution at nucleotide position 592. This changes the amino acid from a glutamine to a stop codon within coding exon 6. This variant was detected in a cohort of Charcot-Marie-Tooth disease patients; however, clinical details were limited (Volodarsky M et al. J Med Genet, 2021 04;58:284-288). This variant is considered to be rare based on population cohorts in the Genome Aggregation Database (gnomAD). This alteration is expected to result in loss of function by premature protein truncation or nonsense-mediated mRNA decay. As such, this alteration is interpreted as a disease-causing mutation.

Literature cited by the submitters: PubMed 31980526 (cited by Mayo Clinic Laboratories, Mayo Clinic); PubMed 32376792 (cited by 3 submitters); PubMed 23623387 (cited by Labcorp Genetics (formerly Invitae), Labcorp); PubMed 30740813 (cited by Labcorp Genetics (formerly Invitae), Labcorp).

NM_014845.6(FIG4):c.592C>T (p.Gln198Ter)

Gene: FIG4 (FIG4 phosphoinositide 5-phosphatase; plus strand). Cytogenetic location: 6q21.
Variant type: single nucleotide variant.
Coding change: c.592C>T on transcript NM_014845.6 (MANE Select); coding-DNA position 592, C replaced by T.
Protein change: p.Gln198Ter; replaces glutamine 198 with a stop codon.
Molecular consequence: nonsense.
Genome position (GRCh38, 1-based): chr6:109,735,244, C>T. VCF-style: chr6-109735244-C-T. GRCh37 (hg19) VCF-style: chr6-110056447-C-T.
Other names: p.Gln198*; short protein forms Q198*.
Identifiers: ClinVar variation 1750549 (VCV001750549.9), dbSNP rs745554323, ClinGen allele CA3955844.